The following is an entry in ClinVar:

ClinVar aggregate classification (germline): Uncertain significance. Review status: criteria provided, single submitter (1 of 4 stars). 2 submissions from 2 submitters: Uncertain significance (1). 1 of the submissions does not count toward it. Last evaluated 2019-08-28.

Conditions:
Polycystic kidney disease 4 (PKD4). Also called: PKD3; POLYCYSTIC KIDNEY DISEASE 4 WITH OR WITHOUT POLYCYSTIC LIVER DISEASE; POLYCYSTIC KIDNEY AND HEPATIC DISEASE 1; POLYCYSTIC KIDNEY DISEASE, INFANTILE, TYPE I; Autosomal Recessive Polycystic Kidney Disease – PKHD1. Identifiers: MedGen C4540575, MONDO:0033004, OMIM 263200.
Polycystic kidney disease. Also called: Kidney, Polycystic; Polycystic kidney dysplasia. Identifiers: MedGen C0022680, MeSH D007690, MONDO:0020642, HP:0000113.

Allele frequency attached by ClinVar (database versions not stated): gnomAD exomes below 0.00001.
gnomAD v4.1: 4 of 1,614,086 alleles (0.00025%); highest among the groups gnomAD compares: Non-Finnish European, 0.00034%; no homozygotes.

Submissions (2):

Victorian Clinical Genetics Services, Murdoch Childrens Research Institute
Classification: Uncertain significance for Polycystic kidney disease 4. Last evaluated: 2019-08-28. Review status: criteria provided, single submitter. Criteria: ACMG Guidelines, 2015. Collection method: clinical testing. Allele origin: germline.
Comment: A heterozygous missense variant was identified NM_138694.3(PKHD1):c.2948G>A in exon 27 of 67 of the PKHD1 gene. This substitution is predicted to create a major amino acid change from cysteine to tyrosine at position 983 of the protein, NP_619639.3(PKHD1):p.(Cys983Tyr). The cysteine at this position has very high conservation (100 vertebrates, UCSC), and is located within the IPT/TIG 4 functional domain. In silico software predicts this variant to be disease causing (Polyphen, SIFT, CADD, Mutation Taster). The variant is not present in the gnomAD population database. The variant has been previously reported as a VUS in a clinical testing setting (ClinVar). Based on information available at the time of curation, this variant has been classified as a VARIANT of UNCERTAIN SIGNIFICANCE (VUS) with POTENTIAL CLINICAL RELEVANCE.

Department of Pathology and Laboratory Medicine, Sinai Health System
Classification: Uncertain significance for Polycystic Kidney disease. Review status: no assertion criteria provided. Collection method: clinical testing. Allele origin: unknown. Affected: yes. Study: The Canadian Open Genetics Repository (COGR). Not counted in ClinVar's aggregate classification.
Comment: The PKHD1 p.Cys983Tyr variant was not identified in the literature, nor was it identified in the dbSNP, NHLBI Exome Sequencing Project, Exome Aggregation Consortium (14 March 2016), Clinvitae, the ClinVar, GeneInsight COGR, MutDB, RWTH AAachen University ARPKD and PKHD1-LOVD databases. The p.Cys983 residue is conserved across mammals and other organisms, and four out of five computational analyses (PolyPhen-2, SIFT, AlignGVGD, BLOSUM, MutationTaster) suggest that the Tyrosine variant may impact the protein; however, this information is not predictive enough to assume pathogenicity. The variant occurs outside of the splicing consensus sequence and 1 of 5 in silico or computational prediction software programs (SpliceSiteFinder, MaxEntScan, NNSPLICE, GeneSplicer, HumanSpliceFinder) predict a greater than 10% difference in splicing; this is not very predictive of pathogenicity. In summary, based on the above information, the clinical significance of this variant cannot be determined with certainty at this time. This variant is classified as a variant of uncertain significance.

NM_138694.4(PKHD1):c.2948G>A (p.Cys983Tyr)

Gene: PKHD1 (PKHD1 ciliary IPT domain containing fibrocystin/polyductin; minus strand). Cytogenetic location: 6p12.2.
Variant type: single nucleotide variant.
Coding change: c.2948G>A on transcript NM_138694.4 (MANE Select); coding-DNA position 2948, G replaced by A.
Protein change: p.Cys983Tyr; replaces cysteine 983 with tyrosine.
Molecular consequence: missense variant.
Genome position (GRCh38, 1-based): chr6:52,043,008, C>T on the plus strand (G>A on the coding strand, the complement: PKHD1 is on the minus strand). VCF-style: chr6-52043008-C-T. GRCh37 (hg19) VCF-style: chr6-51907806-C-T.
Other names: c.2948G>A, p.Cys983Tyr (NM_170724.3); short protein forms C983Y.
Identifiers: ClinVar variation 434016 (VCV000434016.4), dbSNP rs1554208064, ClinGen allele CA364442217.